The following is an entry in ClinVar:

ClinVar aggregate classification (germline): Pathogenic (1 of 4 stars; one submission).

Conditions:
Coffin-Lowry syndrome (CLS). Also called: Mental retardation with osteocartilaginous abnormalities; COFFIN-LOWRY SYNDROME, MILD. Identifiers: Orphanet 192, MedGen C0265252, MONDO:0010561, OMIM 303600.
Intellectual developmental disorder, X-linked 19. Also called: Intellectual disability, X-linked 19. Identifiers: Orphanet 777, MedGen C0796225, MONDO:0010447, OMIM 300844.

Submission:

Labcorp Genetics (formerly Invitae), Labcorp
Classification: Pathogenic for Coffin-Lowry syndrome; Intellectual developmental disorder, X-linked 19. Last evaluated: 2024-07-02. Review status: criteria provided, single submitter. Criteria: Invitae Variant Classification Sherloc (09022015). Collection method: clinical testing. Allele origin: germline.
Comment: This sequence change creates a premature translational stop signal (p.Tyr580*) in the RPS6KA3 gene. It is expected to result in an absent or disrupted protein product. Loss-of-function variants in RPS6KA3 are known to be pathogenic (PMID: 9837815, 19888300). This variant is not present in population databases (gnomAD no frequency). This variant has not been reported in the literature in individuals affected with RPS6KA3-related conditions. For these reasons, this variant has been classified as Pathogenic.

Literature cited by the submitters: PubMed 9837815; PubMed 19888300.

NM_004586.3(RPS6KA3):c.1740C>A (p.Tyr580Ter)

Gene: RPS6KA3 (ribosomal protein S6 kinase A3; minus strand). Cytogenetic location: Xp22.12.
Variant type: single nucleotide variant.
Coding change: c.1740C>A on transcript NM_004586.3 (MANE Select); coding-DNA position 1740, C replaced by A.
Protein change: p.Tyr580Ter; replaces tyrosine 580 with a stop codon.
Molecular consequence: nonsense.
Genome position (GRCh38, 1-based): chrX:20,164,923, G>T on the plus strand (C>A on the coding strand, the complement: RPS6KA3 is on the minus strand). VCF-style: chrX-20164923-G-T. GRCh37 (hg19) VCF-style: chrX-20183041-G-T.
Other names: short protein forms Y580*.
Identifiers: ClinVar variation 3757013 (VCV003757013.2).